The following is an entry in ClinVar:

NM_001854.4(COL11A1):c.898-272A>C

Gene: COL11A1 (collagen type XI alpha 1 chain; minus strand). Cytogenetic location: 1p21.1.
Variant type: single nucleotide variant.
Coding change: c.898-272A>C on transcript NM_001854.4 (MANE Select); 272 bases into the intron before coding-DNA position 898, A replaced by C.
Molecular consequence: intron variant. On other transcripts: missense variant (1).
Genome position (GRCh38, 1-based): chr1:103,025,885, T>G on the plus strand (A>C on the coding strand, the complement: COL11A1 is on the minus strand). VCF-style: chr1-103025885-T-G. GRCh37 (hg19) VCF-style: chr1-103491441-T-G.
Other names: c.848A>C, p.Lys283Thr (NM_080629.3); c.781-272A>C (NM_001190709.2); c.897+331A>C (NM_080630.4); c.848A>C (NM_080629.2); short protein forms K283T.
Identifiers: ClinVar variation 1187756 (VCV001187756.5), dbSNP rs148225616, ClinGen allele CA975240.

ClinVar aggregate classification (germline): Uncertain significance. Review status: criteria provided, single submitter (1 of 4 stars). 2 submissions from 2 submitters: Uncertain significance (1). 1 of the submissions does not count toward it. Last evaluated 2022-12-21.

Conditions:
COL11A1-related disorder. Also called: COL11A1-related disorders; COL11A1-related condition.

Allele frequency attached by ClinVar (database versions not stated): ESP Exome Variant Server 0.00008; ExAC 0.00001; gnomAD 0.00002.
gnomAD v4.1: 50 of 1,613,114 alleles (0.0031%); highest among the groups gnomAD compares: Non-Finnish European, 0.0042%; no homozygotes.

Submissions (2):

GeneDx
Classification: Uncertain significance. Last evaluated: 2022-12-21. Review status: criteria provided, single submitter. Criteria: GeneDx Variant Classification Process June 2021. Collection method: clinical testing. Allele origin: germline. Affected: yes.
Comment: In silico analysis supports that this missense variant does not alter protein structure/function; Has not been previously published as pathogenic or benign to our knowledge; Not located in the triple helical region, where the majority of pathogenic missense variants occur (HGMD; Acke et al., 2014); Not observed at significant frequency in large population cohorts (gnomAD); Reported using an alternate transcript of the gene; This variant is associated with the following publications: (PMID: 25240749)

PreventionGenetics, part of Exact Sciences
Classification: Uncertain significance for COL11A1-related condition. Last evaluated: 2023-11-19. Review status: no assertion criteria provided. Collection method: clinical testing. Allele origin: germline. Not counted in ClinVar's aggregate classification.
Comment: The COL11A1 c.848A>C variant is predicted to result in the amino acid substitution p.Lys283Thr. To our knowledge, this variant has not been reported in the literature. This variant is reported in 0.0023% of alleles in individuals of European (Non-Finnish) descent in gnomAD. At this time, the clinical significance of this variant is uncertain due to the absence of conclusive functional and genetic evidence.